The following is an entry in ClinVar:

NM_000321.3(RB1):c.2197C>T (p.His733Tyr)

Gene: RB1 (RB transcriptional corepressor 1; plus strand). Cytogenetic location: 13q14.2.
Variant type: single nucleotide variant.
Coding change: c.2197C>T on transcript NM_000321.3 (MANE Select); coding-DNA position 2197, C replaced by T.
Protein change: p.His733Tyr; replaces histidine 733 with tyrosine.
Molecular consequence: missense variant.
Genome position (GRCh38, 1-based): chr13:48,463,821, C>T. VCF-style: chr13-48463821-C-T. GRCh37 (hg19) VCF-style: chr13-49037957-C-T.
Other names: L11910:g.160820C>T; short protein forms H733Y.
Identifiers: ClinVar variation 126797 (VCV000126797.1), dbSNP rs587778835, ClinGen allele CA026427.

ClinVar aggregate classification (germline): Pathogenic (0 of 4 stars; one submission).

Conditions:
Retinoblastoma (RB1). Also called: RETINOBLASTOMA, SOMATIC. Identifiers: Orphanet 790, MedGen C0035335, MeSH D012175, MONDO:0008380, OMIM 180200, HP:0009919. Disease mechanism: loss of function. Inheritance: Both sporadic and heritable forms are tested..

Submission:

Genetic Diagnostic Laboratory, University of Pennsylvania School of Medicine
Classification: Pathogenic for Retinoblastoma. Last evaluated: 2013-09-16. Review status: no assertion criteria provided. Collection method: clinical testing. Allele origin: somatic. Affected: yes.
Comment: Damaging according to PolyPhen